The following is an entry in ClinVar:

ClinVar aggregate classification (germline): Uncertain significance (1 of 4 stars; one submission).

Conditions:
Bloom syndrome (BLM). Also called: Bloom-Torre-Machacek syndrome. Identifiers: Orphanet 125, MedGen C0005859, MONDO:0008876, OMIM 210900.

gnomAD v4.1: 2 of 1,599,600 alleles (0.00013%); highest among the groups gnomAD compares: Non-Finnish European, 0.00017%; no homozygotes.

Submission:

Labcorp Genetics (formerly Invitae), Labcorp
Classification: Uncertain significance for Bloom syndrome. Last evaluated: 2022-07-25. Review status: criteria provided, single submitter. Criteria: Invitae Variant Classification Sherloc (09022015). Collection method: clinical testing. Allele origin: germline.
Comment: This variant is not present in population databases (gnomAD no frequency). This sequence change replaces aspartic acid, which is acidic and polar, with histidine, which is basic and polar, at codon 757 of the BLM protein (p.Asp757His). This variant has not been reported in the literature in individuals affected with BLM-related conditions. In summary, the available evidence is currently insufficient to determine the role of this variant in disease. Therefore, it has been classified as a Variant of Uncertain Significance. Algorithms developed to predict the effect of missense changes on protein structure and function are either unavailable or do not agree on the potential impact of this missense change (SIFT: "Tolerated"; PolyPhen-2: "Probably Damaging"; Align-GVGD: "Class C0"). ClinVar contains an entry for this variant (Variation ID: 1510490).

NM_000057.4(BLM):c.2269G>C (p.Asp757His)

Gene: BLM (BLM RecQ like helicase; plus strand). Cytogenetic location: 15q26.1.
Variant type: single nucleotide variant.
Coding change: c.2269G>C on transcript NM_000057.4 (MANE Select); coding-DNA position 2269, G replaced by C.
Protein change: p.Asp757His; replaces aspartic acid 757 with histidine.
Molecular consequence: missense variant.
Genome position (GRCh38, 1-based): chr15:90,766,985, G>C. VCF-style: chr15-90766985-G-C. GRCh37 (hg19) VCF-style: chr15-91310215-G-C.
Other names: c.2269G>C, p.Asp757His (NM_001287246.2, NM_001287247.2); c.1144G>C, p.Asp382His (NM_001287248.2); short protein forms D757H, D382H.
Identifiers: ClinVar variation 1510490 (VCV001510490.6), dbSNP rs2151163965, ClinGen allele CA393844927.